The following is an entry in ClinVar:

ClinVar aggregate classification (germline): Uncertain significance (1 of 4 stars; one submission).

Allele frequency attached by ClinVar (database versions not stated): ExAC 0.00001; gnomAD exomes 0.00001; TOPMed 0.00001.
gnomAD v4.1: 10 of 1,577,392 alleles (0.00063%); highest among the groups gnomAD compares: East Asian, 0.0023%; no homozygotes.

Submission:

Labcorp Genetics (formerly Invitae), Labcorp
Classification: Uncertain significance. Last evaluated: 2022-09-06. Review status: criteria provided, single submitter. Criteria: Invitae Variant Classification Sherloc (09022015). Collection method: clinical testing. Allele origin: germline.
Comment: This sequence change replaces arginine, which is basic and polar, with histidine, which is basic and polar, at codon 2768 of the CPLANE1 protein (p.Arg2768His). In summary, the available evidence is currently insufficient to determine the role of this variant in disease. Therefore, it has been classified as a Variant of Uncertain Significance. Advanced modeling of protein sequence and biophysical properties (such as structural, functional, and spatial information, amino acid conservation, physicochemical variation, residue mobility, and thermodynamic stability) performed at Invitae indicates that this missense variant is not expected to disrupt CPLANE1 protein function. ClinVar contains an entry for this variant (Variation ID: 1443226). This variant has not been reported in the literature in individuals affected with CPLANE1-related conditions. This variant is present in population databases (rs752905880, gnomAD 0.007%).

NM_001384732.1(CPLANE1):c.8465G>A (p.Arg2822His)

Gene: CPLANE1 (ciliogenesis and planar polarity effector complex subunit 1; minus strand). Cytogenetic location: 5p13.2.
Variant type: single nucleotide variant.
Coding change: c.8465G>A on transcript NM_001384732.1 (MANE Select); coding-DNA position 8465, G replaced by A.
Protein change: p.Arg2822His; replaces arginine 2822 with histidine.
Molecular consequence: missense variant.
Genome position (GRCh38, 1-based): chr5:37,142,477, C>T on the plus strand (G>A on the coding strand, the complement: CPLANE1 is on the minus strand). VCF-style: chr5-37142477-C-T. GRCh37 (hg19) VCF-style: chr5-37142579-C-T.
Other names: c.8303G>A, p.Arg2768His (NM_023073.4); short protein forms R2768H, R2822H.
Identifiers: ClinVar variation 1443226 (VCV001443226.9), dbSNP rs752905880, ClinGen allele CA3237768.